The following is an entry in ClinVar:

NM_006886.4(ATP5F1E):c.-47C>T

Genes: ATP5F1E (ATP synthase F1 subunit epsilon; minus strand), SLMO2-ATP5E (SLMO2-ATP5E readthrough; minus strand), LOC130066278 (ATAC-STARR-seq lymphoblastoid silent region 13087; plus strand). Cytogenetic location: 20q13.32.
Variant type: single nucleotide variant.
Coding change: c.-47C>T on transcript NM_006886.4 (MANE Select); 47 bases upstream of the start codon, C replaced by T.
Molecular consequence: 5 prime UTR variant.
Genome position (GRCh38, 1-based): chr20:59,032,298, G>A on the plus strand (C>T on the coding strand, the complement: ATP5F1E is on the minus strand). VCF-style: chr20-59032298-G-A. GRCh37 (hg19) VCF-style: chr20-57607353-G-A.
Identifiers: ClinVar variation 384695 (VCV000384695.1), dbSNP rs369316428, ClinGen allele CA9928809.

ClinVar aggregate classification (germline): Likely benign (1 of 4 stars; one submission).

Allele frequency attached by ClinVar (database versions not stated): ExAC 0.00016; gnomAD 0.00025; TOPMed 0.00026; ESP Exome Variant Server 0.00039; 1000 Genomes Project 0.00040; 1000 Genomes Project 30x 0.00062.
gnomAD v4.1: 68 of 1,583,890 alleles (0.0043%); highest among the groups gnomAD compares: African/African-American, 0.063%; no homozygotes.

Submission:

GeneDx
Classification: Likely benign. Last evaluated: 2018-01-08. Review status: criteria provided, single submitter. Criteria: GeneDx Variant Classification (06012015). Collection method: clinical testing. Allele origin: germline. Affected: yes.
Comment: This variant is considered likely benign or benign based on one or more of the following criteria: it is a conservative change, it occurs at a poorly conserved position in the protein, it is predicted to be benign by multiple in silico algorithms, and/or has population frequency not consistent with disease.